The following is an entry in ClinVar:

NM_000245.4(MET):c.368A>T (p.Asp123Val)

Gene: MET (MET proto-oncogene, receptor tyrosine kinase; plus strand). Cytogenetic location: 7q31.2.
Variant type: single nucleotide variant.
Coding change: c.368A>T on transcript NM_000245.4 (MANE Select); coding-DNA position 368, A replaced by T.
Protein change: p.Asp123Val; replaces aspartic acid 123 with valine.
Molecular consequence: missense variant. On other transcripts: intron variant (1).
Genome position (GRCh38, 1-based): chr7:116,699,452, A>T. VCF-style: chr7-116699452-A-T. GRCh37 (hg19) VCF-style: chr7-116339506-A-T.
Other names: c.368A>T, p.Asp123Val (NM_001127500.3, NM_001324401.3); c.-91+26875A>T (NM_001324402.2); short protein forms D123V.
Identifiers: ClinVar variation 2820926 (VCV002820926.4), dbSNP rs2116587081, ClinGen allele CA368968920.

ClinVar aggregate classification (germline): Uncertain significance. Review status: criteria provided, multiple submitters, no conflicts (2 of 4 stars). 2 submissions from 2 submitters: Uncertain significance (2). Last evaluated 2025-07-17.

Conditions:
Hereditary cancer-predisposing syndrome. Also called: Neoplastic Syndromes, Hereditary; Tumor predisposition; Hereditary Cancer Syndrome; Hereditary neoplastic syndrome. Identifiers: Orphanet 140162, MedGen C0027672, MeSH D009386, MONDO:0015356.
Renal cell carcinoma. Identifiers: Orphanet 217071, MedGen C0007134, MeSH D002292, MONDO:0005086, HP:0005584.

Submissions (2):

Ambry Genetics
Classification: Uncertain significance for Hereditary cancer-predisposing syndrome. Last evaluated: 2025-07-17. Review status: criteria provided, single submitter. Criteria: Ambry Variant Classification Scheme 2023. Collection method: clinical testing. Allele origin: germline.
Comment: The p.D123V variant (also known as c.368A>T), located in coding exon 1 of the MET gene, results from an A to T substitution at nucleotide position 368. The aspartic acid at codon 123 is replaced by valine, an amino acid with highly dissimilar properties. This amino acid position is not well conserved in available vertebrate species. In addition, this alteration is predicted to be tolerated by in silico analysis. Based on the available evidence, the clinical significance of this variant remains unclear.

Labcorp Genetics (formerly Invitae), Labcorp
Classification: Uncertain significance for Renal cell carcinoma. Last evaluated: 2023-05-04. Review status: criteria provided, single submitter. Criteria: Invitae Variant Classification Sherloc (09022015). Collection method: clinical testing. Allele origin: germline.
Comment: This sequence change replaces aspartic acid, which is acidic and polar, with valine, which is neutral and non-polar, at codon 123 of the MET protein (p.Asp123Val). In summary, the available evidence is currently insufficient to determine the role of this variant in disease. Therefore, it has been classified as a Variant of Uncertain Significance. Advanced modeling of protein sequence and biophysical properties (such as structural, functional, and spatial information, amino acid conservation, physicochemical variation, residue mobility, and thermodynamic stability) performed at Invitae indicates that this missense variant is not expected to disrupt MET protein function. This variant has not been reported in the literature in individuals affected with MET-related conditions. This variant is not present in population databases (gnomAD no frequency).